The following is an entry in ClinVar:

ClinVar aggregate classification (germline): Likely pathogenic (0 of 4 stars; one submission).

Conditions:
Dilated cardiomyopathy 1G (CMD1G). Identifiers: Orphanet 154, MedGen C1858763, MONDO:0011400, OMIM 604145.

Submission:

deCODE genetics, Amgen
Classification: Likely pathogenic for Dilated cardiomyopathy 1G. Last evaluated: 2023-07-21. Review status: no assertion criteria provided. Collection method: research. Allele origin: germline. Affected: yes. Observed: 5 variant alleles.
Comment: The variant NM_001267550.2:c.8017A>T (chr2:178771310) in TTN was detected in 3 heterozygotes out of 58K WGS Icelanders (MAF= 0,003%). This variant has not been reported in ClinVar previously. Based on ACMG criteria (PVS1, PM2) this variant classifies as likely pathogenic.

NM_001267550.2(TTN):c.8017A>T (p.Lys2673Ter)

Gene: TTN (titin; minus strand). Cytogenetic location: 2q31.2.
Variant type: single nucleotide variant.
Coding change: c.8017A>T on transcript NM_001267550.2 (MANE Select); coding-DNA position 8017, A replaced by T.
Protein change: p.Lys2673Ter; replaces lysine 2673 with a stop codon.
Molecular consequence: nonsense.
Genome position (GRCh38, 1-based): chr2:178,771,310, T>A on the plus strand (A>T on the coding strand, the complement: TTN is on the minus strand). VCF-style: chr2-178771310-T-A. GRCh37 (hg19) VCF-style: chr2-179636037-T-A.
Other names: c.8017A>T, p.Lys2673Ter (NM_001256850.1, NM_133378.4, NM_133379.5); c.7879A>T, p.Lys2627Ter (NM_003319.4, NM_133432.3, NM_133437.4); short protein forms K2627*, K2673*.
Identifiers: ClinVar variation 2574060 (VCV002574060.1), dbSNP rs2532553576, ClinGen allele CA349678468.